The following is an entry in ClinVar:

NM_000075.4(CDK4):c.748C>T (p.Pro250Ser)

Genes: TSPAN31 (tetraspanin 31; plus strand), CDK4 (cyclin dependent kinase 4; minus strand). Cytogenetic location: 12q14.1.
Variant type: single nucleotide variant.
Coding change: c.748C>T on transcript NM_000075.4 (MANE Select); coding-DNA position 748, C replaced by T.
Protein change: p.Pro250Ser; replaces proline 250 with serine.
Molecular consequence: missense variant. On other transcripts: 3 prime UTR variant (3).
Genome position (GRCh38, 1-based): chr12:57,749,253, G>A on the plus strand (C>T on the coding strand, the complement: CDK4 is on the minus strand). VCF-style: chr12-57749253-G-A. GRCh37 (hg19) VCF-style: chr12-58143036-G-A.
Other names: c.*1963G>A (NM_001330168.2, NM_001330169.2, NM_005981.5); short protein forms P250S.
Identifiers: ClinVar variation 1759146 (VCV001759146.3), dbSNP rs2140382889, ClinGen allele CA385543359.
Genomic context (GRCh38, chr12:57,749,253, plus strand): 5'-GTGCTCCCGACTCCTCCATCTCAGGTACCACCGACTGCACTGGGCGGGGCCCTCTGGGGG[G>A]AAAGGCTCCACGGGGCAGGGATACATCTCGAGGCCAGTCATCCTCTGGAGGCAGCCCAAT-3'
Protein context (NP_000066.1, residues 240-260): RDVSLPRGAF[Pro250Ser]PRGPRPVQSV

ClinVar aggregate classification (germline): Conflicting classifications of pathogenicity. Review status: criteria provided, conflicting classifications (1 of 4 stars). 2 submissions from 2 submitters: Uncertain significance (1); Likely benign (1). Last evaluated 2025-06-24.

Conditions:
Familial melanoma. Also called: Hereditary melanoma; Hereditary cutaneous melanoma. Identifiers: Orphanet 618, MedGen C1512419, MONDO:0018961.
Hereditary cancer-predisposing syndrome. Also called: Neoplastic Syndromes, Hereditary; Tumor predisposition; Hereditary Cancer Syndrome; Hereditary neoplastic syndrome. Identifiers: Orphanet 140162, MedGen C0027672, MeSH D009386, MONDO:0015356.

Allele frequency attached by ClinVar (database versions not stated): gnomAD exomes below 0.00001.
gnomAD v4.1: 1 of 1,614,112 alleles (0.000062%); highest among the groups gnomAD compares: African/African-American, 0.0013%; no homozygotes.

Submissions (2):

Labcorp Genetics (formerly Invitae), Labcorp
Classification: Uncertain significance for Familial melanoma. Last evaluated: 2025-06-24. Review status: criteria provided, single submitter. Criteria: Invitae Variant Classification Sherloc (09022015). Collection method: clinical testing. Allele origin: germline.
Comment: This sequence change replaces proline, which is neutral and non-polar, with serine, which is neutral and polar, at codon 250 of the CDK4 protein (p.Pro250Ser). This variant is not present in population databases (gnomAD no frequency). This variant has not been reported in the literature in individuals affected with CDK4-related conditions. ClinVar contains an entry for this variant (Variation ID: 1759146). An algorithm developed to predict the effect of missense changes on protein structure and function outputs the following: PolyPhen-2: "Benign". The serine amino acid residue is found in multiple mammalian species, which suggests that this missense change does not adversely affect protein function. In summary, the available evidence is currently insufficient to determine the role of this variant in disease. Therefore, it has been classified as a Variant of Uncertain Significance.

Ambry Genetics
Classification: Likely benign for Hereditary cancer-predisposing syndrome. Last evaluated: 2021-04-16. Review status: criteria provided, single submitter. Criteria: Ambry Variant Classification Scheme 2023. Collection method: clinical testing. Allele origin: germline.